The following is an entry in ClinVar:

NM_002454.3(MTRR):c.832A>G (p.Ile278Val)

Gene: MTRR (5-methyltetrahydrofolate-homocysteine methyltransferase reductase; plus strand). Cytogenetic location: 5p15.31.
Variant type: single nucleotide variant.
Coding change: c.832A>G on transcript NM_002454.3 (MANE Select); coding-DNA position 832, A replaced by G.
Protein change: p.Ile278Val; replaces isoleucine 278 with valine.
Molecular consequence: missense variant. On other transcripts: non-coding transcript variant (14).
Genome position (GRCh38, 1-based): chr5:7,883,206, A>G. VCF-style: chr5-7883206-A-G. GRCh37 (hg19) VCF-style: chr5-7883319-A-G.
Other names: c.832A>G, p.Ile278Val (NM_001364440.2, NM_001364441.2, NM_001364442.2 and 1 more transcripts); short protein forms I278V.
Identifiers: ClinVar variation 570353 (VCV000570353.4), dbSNP rs1377146830, ClinGen allele CA359157575.
Genomic context (GRCh38, chr5:7,883,206, plus strand): 5'-TTTTTCAAGGAGGAAAGCCAAGTATCTGTGACTTCAGCAGATCCAGTTTTTCAAGTGCCA[A>G]TTTCAAAGGCAGTTCAACTTACTACGAATGATGCCATAAAAACCACTCTGCTGGTAGAAT-3'
Protein context (NP_002445.2, residues 268-288): TSADPVFQVP[Ile278Val]SKAVQLTTND

ClinVar aggregate classification (germline): Uncertain significance. Review status: criteria provided, single submitter (1 of 4 stars). 2 submissions from 2 submitters: Uncertain significance (1). 1 of the submissions does not count toward it. Last evaluated 2022-08-23.

Conditions:
Methylcobalamin deficiency type cblE (HMAE). Also called: HOMOCYSTINURIA-MEGALOBLASTIC ANEMIA, cblE COMPLEMENTATION TYPE; VITAMIN B12-RESPONSIVE HOMOCYSTINURIA, cblE TYPE; HOMOCYSTINURIA-MEGALOBLASTIC ANEMIA, cblE TYPE. Identifiers: Orphanet 2169, Orphanet 622, MedGen C1856057, MONDO:0009354, OMIM 236270.

Allele frequency attached by ClinVar (database versions not stated): gnomAD exomes below 0.00001 and 0.00001; gnomAD 0.00001; TOPMed 0.00001.
gnomAD v4.1: 6 of 1,614,102 alleles (0.00037%); highest among the groups gnomAD compares: Admixed American, 0.0033%; no homozygotes.

Submissions (2):

Labcorp Genetics (formerly Invitae), Labcorp
Classification: Uncertain significance for Methylcobalamin deficiency type cblE. Last evaluated: 2022-08-23. Review status: criteria provided, single submitter. Criteria: Invitae Variant Classification Sherloc (09022015). Collection method: clinical testing. Allele origin: germline.
Comment: This sequence change replaces isoleucine, which is neutral and non-polar, with valine, which is neutral and non-polar, at codon 278 of the MTRR protein (p.Ile278Val). This variant is present in population databases (no rsID available, gnomAD 0.003%). This variant has not been reported in the literature in individuals affected with MTRR-related conditions. ClinVar contains an entry for this variant (Variation ID: 570353). Algorithms developed to predict the effect of missense changes on protein structure and function output the following: SIFT: "Tolerated"; PolyPhen-2: "Benign"; Align-GVGD: "Class C0". The valine amino acid residue is found in multiple mammalian species, which suggests that this missense change does not adversely affect protein function. In summary, the available evidence is currently insufficient to determine the role of this variant in disease. Therefore, it has been classified as a Variant of Uncertain Significance.

Natera, Inc.
Classification: Uncertain significance for CblE complementation type homocystinuria-megaloblastic anemia due to defect in cobalamin metabolism. Last evaluated: 2020-04-17. Review status: no assertion criteria provided. Collection method: clinical testing. Allele origin: germline. Not counted in ClinVar's aggregate classification.